The following is an entry in ClinVar:

ClinVar aggregate classification (germline): Likely benign (1 of 4 stars; one submission).

Allele frequency attached by ClinVar (database versions not stated): gnomAD exomes 0.00095; gnomAD 0.00838; 1000 Genomes Project 30x 0.00984; TOPMed 0.00987; 1000 Genomes Project 0.01058.

Submission:

GeneDx
Classification: Likely benign. Last evaluated: 2021-04-01. Review status: criteria provided, single submitter. Criteria: GeneDx Variant Classification Process June 2021. Collection method: clinical testing. Allele origin: germline. Affected: yes.
Comment: See Variant Classification Assertion Criteria.

NM_001351132.2(PEX5):c.147+148T>G

Gene: PEX5 (peroxisomal biogenesis factor 5; plus strand). Cytogenetic location: 12p13.31.
Variant type: single nucleotide variant.
Coding change: c.147+148T>G on transcript NM_001351132.2 (MANE Select); 148 bases into the intron after coding-DNA position 147, T replaced by G.
Molecular consequence: intron variant.
Genome position (GRCh38, 1-based): chr12:7,190,672, T>G. VCF-style: chr12-7190672-T-G. GRCh37 (hg19) VCF-style: chr12-7343268-T-G.
Other names: c.147+148T>G (NM_001351124.3, NM_001131026.2, NM_001351131.2 and 19 more transcripts); c.192+103T>G (NM_001351135.3, NM_001131023.2, NM_001351138.2).
Identifiers: ClinVar variation 1707240 (VCV001707240.2), dbSNP rs115339315, ClinGen allele CA232460100.